The following is an entry in ClinVar:

ClinVar aggregate classification (germline): Likely benign (0 of 4 stars; one submission).

Conditions:
PLEKHA7-related disorder. Also called: PLEKHA7-related condition.

Allele frequency attached by ClinVar (database versions not stated): TOPMed below 0.00001; ExAC 0.00001; gnomAD exomes 0.00001.
gnomAD v4.1: 17 of 1,613,756 alleles (0.0011%); highest among the groups gnomAD compares: South Asian, 0.0044%; no homozygotes.

Submission:

PreventionGenetics, part of Exact Sciences
Classification: Likely benign for PLEKHA7-related condition. Last evaluated: 2020-12-02. Review status: no assertion criteria provided. Collection method: clinical testing. Allele origin: germline.
Comment: This variant is classified as likely benign based on ACMG/AMP sequence variant interpretation guidelines (Richards et al. 2015 PMID: 25741868, with internal and published modifications).

NM_001329630.2(PLEKHA7):c.1857C>T (p.His619=)

Gene: PLEKHA7 (pleckstrin homology domain containing A7; minus strand). Cytogenetic location: 11p15.2.
Variant type: single nucleotide variant.
Coding change: c.1857C>T on transcript NM_001329630.2 (MANE Select); coding-DNA position 1857, C replaced by T.
Protein change: p.His619=; no amino-acid change (histidine 619 retained).
Molecular consequence: synonymous variant.
Genome position (GRCh38, 1-based): chr11:16,816,809, G>A on the plus strand (C>T on the coding strand, the complement: PLEKHA7 is on the minus strand). VCF-style: chr11-16816809-G-A. GRCh37 (hg19) VCF-style: chr11-16838356-G-A.
Other names: c.1857C>T, p.His619= (NM_001329631.2, NM_001410960.1, NM_175058.5).
Identifiers: ClinVar variation 3031426 (VCV003031426.2), dbSNP rs757826459, ClinGen allele CA5899350.